The following is an entry in ClinVar:

NM_000138.5(FBN1):c.2621A>G (p.Gln874Arg)

Gene: FBN1 (fibrillin 1; minus strand). Cytogenetic location: 15q21.1.
Variant type: single nucleotide variant.
Coding change: c.2621A>G on transcript NM_000138.5 (MANE Select); coding-DNA position 2621, A replaced by G.
Protein change: p.Gln874Arg; replaces glutamine 874 with arginine.
Molecular consequence: missense variant.
Genome position (GRCh38, 1-based): chr15:48,495,179, T>C on the plus strand (A>G on the coding strand, the complement: FBN1 is on the minus strand). VCF-style: chr15-48495179-T-C. GRCh37 (hg19) VCF-style: chr15-48787376-T-C.
Other names: short protein forms Q874R.
Identifiers: ClinVar variation 922499 (VCV000922499.4), dbSNP rs2043595247, ClinGen allele CA392332371.

ClinVar aggregate classification (germline): Uncertain significance. Review status: criteria provided, multiple submitters, no conflicts (2 of 4 stars). 3 submissions from 3 submitters: Uncertain significance (3). Last evaluated 2021-08-02.

Conditions:
Weill-Marchesani syndrome 2, dominant. Also called: FBN1-Related Weill-Marchesani Syndrome; Weill-Marchesani Syndrome, Autosomal Dominant. Identifiers: Orphanet 2084, MedGen C1869115, MONDO:0012013, OMIM 608328.
Progeroid and marfanoid aspect-lipodystrophy syndrome. Also called: MARFANOID-PROGEROID SYNDROME; MARFAN-PROGEROID-LIPODYSTROPHY SYNDROME; Marfan lipodystrophy syndrome; MARFANOID-PROGEROID-LIPODYSTROPHY SYNDROME. Identifiers: Orphanet 300382, MedGen C4310796, MONDO:0014831, OMIM 616914.
Acromicric dysplasia (ACMICD). Also called: Acromicric skeletal dysplasia. Identifiers: Orphanet 969, MedGen C0265287, MONDO:0007055, OMIM 102370.
Ectopia lentis 1, isolated, autosomal dominant (ECTOL1). Identifiers: Orphanet 1885, MedGen C3541518, MONDO:0007514, OMIM 129600.
Geleophysic dysplasia 2 (GPHYSD2). Identifiers: Orphanet 2623, MedGen C3280054, MONDO:0013612, OMIM 614185.
Marfan syndrome (MFS). Also called: Marfan syndrome, classic; Marfan syndrome type 1; Marfan's syndrome; FBN1-Related Marfan Syndrome; MARFAN SYNDROME, TYPE I. Identifiers: Orphanet 284963, Orphanet 558, MedGen C0024796, MONDO:0007947, OMIM 154700.
MASS syndrome (OCTD). Also called: OVERLAP CONNECTIVE TISSUE DISEASE; MASS PHENOTYPE. Identifiers: MedGen C1858556, MONDO:0011431, OMIM 604308.
Stiff skin syndrome (SSKS). Identifiers: Orphanet 2833, MedGen C1861456, MONDO:0008492, OMIM 184900.
Familial thoracic aortic aneurysm and aortic dissection (TAAD). Also called: Thoracic aortic aneurysms and dissections. Identifiers: Orphanet 91387, MedGen C4707243, MONDO:0019625.

Allele frequency attached by ClinVar (database versions not stated): TOPMed 0.00001.

Submissions (3):

Fulgent Genetics
Classification: Uncertain significance for Acromicric dysplasia; Ectopia lentis 1, isolated, autosomal dominant; Marfan syndrome; Stiff skin syndrome; MASS syndrome; Weill-Marchesani syndrome 2, dominant; Geleophysic dysplasia 2; Progeroid and marfanoid aspect-lipodystrophy syndrome. Last evaluated: 2021-08-02. Review status: criteria provided, single submitter. Criteria: ACMG Guidelines, 2015. Collection method: clinical testing. Allele origin: unknown.

Women's Health and Genetics/Laboratory Corporation of America, LabCorp
Classification: Uncertain significance. Last evaluated: 2019-12-24. Review status: criteria provided, single submitter. Criteria: LabCorp Variant Classification Summary - May 2015. Collection method: clinical testing. Allele origin: germline.
Comment: Variant summary: FBN1 c.2621A>G (p.Gln874Arg) results in a conservative amino acid change located in the TB domain (IPR017878) of the encoded protein sequence. Three of five in-silico tools predict a damaging effect of the variant on protein function. The variant was absent in 251428 control chromosomes. The available data on variant occurrences in the general population are insufficient to allow any conclusion about variant significance. To our knowledge, no occurrence of c.2621A>G in individuals affected with Aortopathy or Marfan syndrome and no experimental evidence demonstrating its impact on protein function have been reported. No clinical diagnostic laboratories have submitted clinical-significance assessments for this variant to ClinVar after 2014. Based on the evidence outlined above, the variant was classified as uncertain significance.

Color Diagnostics, LLC DBA Color Health
Classification: Uncertain significance for Familial thoracic aortic aneurysm and aortic dissection. Last evaluated: 2019-01-08. Review status: criteria provided, single submitter. Criteria: ACMG Guidelines, 2015. Collection method: clinical testing. Allele origin: germline.
Comment: Variant of Uncertain Significance due to insufficient evidence: This missense variant is located in the TGFbeta-like motif 4 of the FBN1 protein. Computational prediction tools and conservation analyses are inconclusive regarding the impact of this variant on the protein function. Computational splicing tools suggest that this variant may not impact RNA splicing. To our knowledge, functional assays have not been performed for this variant nor has this variant been reported in individuals affected with cardiovascular disorders in the literature. This variant is rare in the general population and has been identified in 0/277264 chromosomes by the Genome Aggregation Database (gnomAD). Available evidence is insufficient to determine the role of this variant in disease conclusively.